The following is an entry in ClinVar:

NM_001289104.2(PRKCSH):c.1009G>A (p.Val337Met)

Gene: PRKCSH (PRKCSH beta subunit of glucosidase II; plus strand). Cytogenetic location: 19p13.2.
Variant type: single nucleotide variant.
Coding change: c.1009G>A on transcript NM_001289104.2 (MANE Select); coding-DNA position 1009, G replaced by A.
Protein change: p.Val337Met; replaces valine 337 with methionine.
Molecular consequence: missense variant. On other transcripts: splice donor variant (2).
Genome position (GRCh38, 1-based): chr19:11,447,598, G>A. VCF-style: chr19-11447598-G-A. GRCh37 (hg19) VCF-style: chr19-11558413-G-A.
Other names: c.1008+1G>A (NM_002743.2, NM_001379608.1, NM_002743.3); c.1009G>A, p.Val337Met (NM_001001329.3, NM_001289102.2, NM_001289103.2 and 1 more transcripts); short protein forms V337M.
Identifiers: ClinVar variation 2057120 (VCV002057120.7), dbSNP rs373416744, ClinGen allele CA9213105.

ClinVar aggregate classification (germline): Conflicting classifications of pathogenicity. Review status: criteria provided, conflicting classifications (1 of 4 stars). 2 submissions from 2 submitters: Uncertain significance (1); Likely benign (1). Last evaluated 2026-02-01.

Conditions:
Inborn genetic diseases. Identifiers: MedGen C0950123, MeSH D030342.

Allele frequency attached by ClinVar (database versions not stated): TOPMed 0.00007; gnomAD 0.00012; ExAC 0.00021; 1000 Genomes Project 30x 0.00062; 1000 Genomes Project 0.00080.
gnomAD v4.1: 71 of 1,591,750 alleles (0.0045%); highest among the groups gnomAD compares: East Asian, 0.066%; no homozygotes.

Submissions (9):

Labcorp Genetics (formerly Invitae), Labcorp
Classification: Uncertain significance. Last evaluated: 2026-02-01. Review status: criteria provided, single submitter. Criteria: Invitae Variant Classification Sherloc (09022015). Collection method: clinical testing. Allele origin: germline.
Comment: This sequence change affects a donor splice site in intron 11 of the PRKCSH gene. It is expected to disrupt RNA splicing. Variants that disrupt the donor or acceptor splice site typically lead to a loss of protein function (PMID: 16199547), and loss-of-function variants in PRKCSH are known to be pathogenic (PMID: 12529853, 12577059, 20095989). This variant is present in population databases (rs373416744, gnomAD 0.1%), and has an allele count higher than expected for a pathogenic variant. This variant has not been reported in the literature in individuals affected with PRKCSH-related conditions. ClinVar contains an entry for this variant (Variation ID: 2057120). Algorithms developed to predict the effect of sequence changes on RNA splicing suggest that this variant may disrupt the consensus splice site. In summary, the available evidence is currently insufficient to determine the role of this variant in disease. Therefore, it has been classified as a Variant of Uncertain Significance.

Ambry Genetics
Classification: Likely benign for Inborn genetic diseases. Last evaluated: 2025-04-17. Review status: criteria provided, single submitter. Criteria: Ambry Variant Classification Scheme 2023. Collection method: clinical testing. Allele origin: germline.

Dr. Peter K. Rogan Lab, Western University
No classification provided (evidence only). Condition: Malignant tumor of urinary bladder. Review status: no classification provided. Collection method: in vitro. Allele origin: not applicable. Functional consequence: retained intron. Not counted in ClinVar's aggregate classification.

Dr. Peter K. Rogan Lab, Western University
No classification provided (evidence only). Condition: Malignant lymphoma, large B-cell, diffuse. Review status: no classification provided. Collection method: in vitro. Allele origin: not applicable. Functional consequence: retained intron. Not counted in ClinVar's aggregate classification.

Dr. Peter K. Rogan Lab, Western University
No classification provided (evidence only). Condition: Hepatocellular carcinoma. Review status: no classification provided. Collection method: in vitro. Allele origin: not applicable. Functional consequence: retained intron. Not counted in ClinVar's aggregate classification.

Dr. Peter K. Rogan Lab, Western University
No classification provided (evidence only). Condition: Nonpapillary renal cell carcinoma. Review status: no classification provided. Collection method: in vitro. Allele origin: not applicable. Functional consequence: retained intron. Not counted in ClinVar's aggregate classification.

Dr. Peter K. Rogan Lab, Western University
No classification provided (evidence only). Condition: Gastric cancer. Review status: no classification provided. Collection method: in vitro. Allele origin: not applicable. Functional consequence: retained intron. Not counted in ClinVar's aggregate classification.

Dr. Peter K. Rogan Lab, Western University
No classification provided (evidence only). Condition: Malignant tumor of esophagus. Review status: no classification provided. Collection method: in vitro. Allele origin: not applicable. Functional consequence: retained intron. Not counted in ClinVar's aggregate classification.

Dr. Peter K. Rogan Lab, Western University
No classification provided (evidence only). Condition: Malignant tumor of esophagus. Review status: no classification provided. Collection method: in vitro. Allele origin: not applicable. Functional consequence: retained intron. Not counted in ClinVar's aggregate classification.

Literature cited by the submitters: PubMed 16199547 (cited by Labcorp Genetics (formerly Invitae), Labcorp); PubMed 12529853 (cited by Labcorp Genetics (formerly Invitae), Labcorp); PubMed 12577059 (cited by Labcorp Genetics (formerly Invitae), Labcorp); PubMed 20095989 (cited by Labcorp Genetics (formerly Invitae), Labcorp); PubMed 28518168 (cited by Ambry Genetics); PubMed 32461654 (cited by Ambry Genetics).